The following is an entry in ClinVar:

NM_001035.3(RYR2):c.3984T>C (p.Phe1328=)

Genes: RYR2 (ryanodine receptor 2; plus strand), LOC126806067 (BRD4-independent group 4 enhancer GRCh37_chr1:237753258-237754457; plus strand). Cytogenetic location: 1q43.
Variant type: single nucleotide variant.
Coding change: c.3984T>C on transcript NM_001035.3 (MANE Select); coding-DNA position 3984, T replaced by C.
Protein change: p.Phe1328=; no amino-acid change (phenylalanine 1328 retained).
Molecular consequence: synonymous variant.
Genome position (GRCh38, 1-based): chr1:237,590,816, T>C. VCF-style: chr1-237590816-T-C. GRCh37 (hg19) VCF-style: chr1-237754116-T-C.
Identifiers: ClinVar variation 3070752 (VCV003070752.2), dbSNP rs2148437910, ClinGen allele CA424030810.

ClinVar aggregate classification (germline): Likely benign. Review status: criteria provided, multiple submitters, no conflicts (2 of 4 stars). 2 submissions from 2 submitters: Likely benign (2). Last evaluated 2023-05-04.

Conditions:
Catecholaminergic polymorphic ventricular tachycardia (CVPT). Also called: Catecholamine-induced polymorphic ventricular tachycardia. Identifiers: Orphanet 3286, MedGen C5574922, MONDO:0017990.
Cardiomyopathy (CMYO). Also called: Cardiomyopathies. Identifiers: Orphanet 167848, MedGen C0878544, MONDO:0004994, HP:0001638. Inheritance: Various modes of inheritance.

gnomAD v4.1: 2 of 1,613,886 alleles (0.00012%); highest among the groups gnomAD compares: Non-Finnish European, 0.00017%; no homozygotes.

Submissions (2):

All of Us Research Program, National Institutes of Health
Classification: Likely benign for Catecholaminergic polymorphic ventricular tachycardia. Last evaluated: 2023-05-04. Review status: criteria provided, single submitter. Criteria: ACMG Guidelines, 2015. Collection method: clinical testing. Allele origin: germline. Inheritance: Autosomal dominant inheritance. Observed: 1 variant allele, 1 heterozygote.
Comment: This study involves interpretation of variants in research participants for the purpose of population health screening. Participant phenotype was not available at the time of variant classification. Additional details can be found in publication PMID: 35346344, PMCID: PMC8962531

Color Diagnostics, LLC DBA Color Health
Classification: Likely benign for Cardiomyopathy. Last evaluated: 2022-11-06. Review status: criteria provided, single submitter. Criteria: ACMG Guidelines, 2015. Collection method: clinical testing. Allele origin: germline.